The following is an entry in ClinVar:

NM_004304.5(ALK):c.1935G>A (p.Leu645=)

Gene: ALK (ALK receptor tyrosine kinase; minus strand). Cytogenetic location: 2p23.2.
Variant type: single nucleotide variant.
Coding change: c.1935G>A on transcript NM_004304.5 (MANE Select); coding-DNA position 1935, G replaced by A.
Protein change: p.Leu645=; no amino-acid change (leucine 645 retained).
Molecular consequence: synonymous variant.
Genome position (GRCh38, 1-based): chr2:29,275,205, C>T on the plus strand (G>A on the coding strand, the complement: ALK is on the minus strand). VCF-style: chr2-29275205-C-T. GRCh37 (hg19) VCF-style: chr2-29498071-C-T.
Identifiers: ClinVar variation 1782952 (VCV001782952.22), dbSNP rs749075308, ClinGen allele CA1594479.

ClinVar aggregate classification (germline): Likely benign. Review status: criteria provided, multiple submitters, no conflicts (2 of 4 stars). 2 submissions from 2 submitters: Likely benign (2). Last evaluated 2024-04-01.

Conditions:
Hereditary cancer-predisposing syndrome. Also called: Hereditary neoplastic syndrome; Neoplastic Syndromes, Hereditary; Tumor predisposition; Hereditary Cancer Syndrome. Identifiers: Orphanet 140162, MedGen C0027672, MeSH D009386, MONDO:0015356.

Allele frequency attached by ClinVar (database versions not stated): ExAC 0.00001; gnomAD exomes 0.00001.
gnomAD v4.1: 3 of 1,614,150 alleles (0.00019%); highest among the groups gnomAD compares: South Asian, 0.0022%; no homozygotes.

Submissions (2):

CeGaT Center for Human Genetics Tuebingen
Classification: Likely benign. Last evaluated: 2024-04-01. Review status: criteria provided, single submitter. Criteria: CeGaT Center For Human Genetics Tuebingen Variant Classification Criteria Version 2. Collection method: clinical testing. Allele origin: germline. Affected: yes. Observed: 1 variant allele.
Comment: ALK: BP4, BP7

Ambry Genetics
Classification: Likely benign for Hereditary cancer-predisposing syndrome. Last evaluated: 2022-09-28. Review status: criteria provided, single submitter. Criteria: Ambry Variant Classification Scheme 2023. Collection method: clinical testing. Allele origin: germline.